The following is an entry in ClinVar:

NM_001345.5(DGKA):c.1029G>A (p.Pro343=)

Gene: DGKA (diacylglycerol kinase alpha; plus strand). Cytogenetic location: 12q13.2.
Variant type: single nucleotide variant.
Coding change: c.1029G>A on transcript NM_001345.5 (MANE Select); coding-DNA position 1029, G replaced by A.
Protein change: p.Pro343=; no amino-acid change (proline 343 retained).
Molecular consequence: synonymous variant. On other transcripts: 5 prime UTR variant (3), non-coding transcript variant (2), intron variant (1).
Genome position (GRCh38, 1-based): chr12:55,940,908, G>A. VCF-style: chr12-55940908-G-A. GRCh37 (hg19) VCF-style: chr12-56334692-G-A.
Other names: c.1029G>A, p.Pro343= (NM_001351033.2, NM_001351034.2, NM_001413596.1 and 7 more transcripts); c.1143G>A, p.Pro381= (NM_001351035.1); c.606G>A, p.Pro202= (NM_001351036.2, NM_001351037.1); c.-34G>A (NM_001351038.2, NM_001351039.2, NM_001351040.2); c.1005G>A, p.Pro335= (NM_001413599.1, NM_001413600.1, NM_001413601.1); c.919-344G>A (NM_001413604.1).
Identifiers: ClinVar variation 3057251 (VCV003057251.2), dbSNP rs755791540, ClinGen allele CA6619438.
Genomic context (GRCh38, chr12:55,940,908, plus strand): 5'-ATTCATGCACAATACAGCTTTTCTTCCCTCTACTTTCTTCCCCTCCCAGGCCTCTGGACC[G>A]GATCGTAAAAATAGCAAAACAAGCCAGAAGACCATGGATGATTTAAATTTGAGCACCTCT-3'
Protein context (NP_001336.2, residues 333-353): SIYPSVLASG[Pro343=]DRKNSKTSQK

ClinVar aggregate classification (germline): Likely benign (0 of 4 stars; one submission).

Conditions:
DGKA-related disorder. Also called: DGKA-related condition.

Allele frequency attached by ClinVar (database versions not stated): gnomAD 0.00001; gnomAD exomes 0.00001; TOPMed 0.00002; ExAC 0.00003.
gnomAD v4.1: 25 of 1,613,930 alleles (0.0015%); highest among the groups gnomAD compares: South Asian, 0.0022%; no homozygotes.

Submission:

PreventionGenetics, part of Exact Sciences
Classification: Likely benign for DGKA-related condition. Last evaluated: 2019-03-27. Review status: no assertion criteria provided. Collection method: clinical testing. Allele origin: germline.
Comment: This variant is classified as likely benign based on ACMG/AMP sequence variant interpretation guidelines (Richards et al. 2015 PMID: 25741868, with internal and published modifications).